The following is an entry in ClinVar:

ClinVar aggregate classification (germline): Uncertain significance (1 of 4 stars; one submission).

Allele frequency attached by ClinVar (database versions not stated): TOPMed below 0.00001; gnomAD exomes 0.00001; ExAC 0.00002.

Submission:

Labcorp Genetics (formerly Invitae), Labcorp
Classification: Uncertain significance. Last evaluated: 2021-09-17. Review status: criteria provided, single submitter. Criteria: Invitae Variant Classification Sherloc (09022015). Collection method: clinical testing. Allele origin: germline.
Comment: In summary, the available evidence is currently insufficient to determine the role of this variant in disease. Therefore, it has been classified as a Variant of Uncertain Significance. Algorithms developed to predict the effect of missense changes on protein structure and function (SIFT, PolyPhen-2, Align-GVGD) all suggest that this variant is likely to be tolerated. This variant has not been reported in the literature in individuals affected with EMC1-related conditions. This variant is present in population databases (rs773687759, ExAC 0.004%). This sequence change replaces valine with isoleucine at codon 140 of the EMC1 protein (p.Val140Ile). The valine residue is moderately conserved and there is a small physicochemical difference between valine and isoleucine.

NM_015047.3(EMC1):c.418G>A (p.Val140Ile)

Gene: EMC1 (ER membrane protein complex subunit 1; minus strand). Cytogenetic location: 1p36.13.
Variant type: single nucleotide variant.
Coding change: c.418G>A on transcript NM_015047.3 (MANE Select); coding-DNA position 418, G replaced by A.
Protein change: p.Val140Ile; replaces valine 140 with isoleucine.
Molecular consequence: missense variant.
Genome position (GRCh38, 1-based): chr1:19,242,436, C>T on the plus strand (G>A on the coding strand, the complement: EMC1 is on the minus strand). VCF-style: chr1-19242436-C-T. GRCh37 (hg19) VCF-style: chr1-19568930-C-T.
Other names: c.418G>A, p.Val140Ile (NM_001271427.2, NM_001271428.2, NM_001375820.1 and 1 more transcripts); c.352G>A, p.Val118Ile (NM_001271429.2); short protein forms V140I, V118I.
Identifiers: ClinVar variation 953519 (VCV000953519.7), dbSNP rs773687759, ClinGen allele CA652917.